The following is an entry in ClinVar:

NM_001032283.3(TMPO):c.565+1128G>A

Gene: TMPO (thymopoietin; plus strand). Cytogenetic location: 12q23.1.
Variant type: single nucleotide variant.
Coding change: c.565+1128G>A on transcript NM_001032283.3 (MANE Select); 1128 bases into the intron after coding-DNA position 565, G replaced by A.
Molecular consequence: intron variant. On other transcripts: missense variant (1).
Genome position (GRCh38, 1-based): chr12:98,532,966, G>A. VCF-style: chr12-98532966-G-A. GRCh37 (hg19) VCF-style: chr12-98926744-G-A.
Other names: c.709G>A, p.Glu237Lys (NM_003276.2); c.565+1128G>A (NM_001307975.2, NM_001032284.3); short protein forms E237K.
Identifiers: ClinVar variation 952353 (VCV000952353.8), dbSNP rs770791830, ClinGen allele CA6732276.
Genomic context (GRCh38, chr12:98,532,966, plus strand): 5'-GGATTTTTTCAGGGTATTTCTTTTCCTGAAATCTCCACCCGTCCTCCTTTGGGCAGTACC[G>A]AACTACAGGCAGCTAAGAAAGTACATACTTCTAAGGGAGACCTACCTAGGGAGCCTCTTG-3'

ClinVar aggregate classification (germline): Uncertain significance. Review status: criteria provided, multiple submitters, no conflicts (2 of 4 stars). 3 submissions from 3 submitters: Uncertain significance (3). Last evaluated 2025-10-28.

Conditions:
Loeys-Dietz syndrome 2 (LDS2). Also called: TGFBR2-Related Loeys-Dietz Syndrome; Marfan syndrome, type 2 (formerly); Marfan Syndrome type 2; Marfan like connective tissue disorder; MFS 2; AORTIC ANEURYSM, FAMILIAL THORACIC 3. Identifiers: Orphanet 284973, Orphanet 558, MedGen C2674574, MONDO:0012427, OMIM 610168.

Allele frequency attached by ClinVar (database versions not stated): gnomAD exomes 0.00001.
gnomAD v4.1: 21 of 1,614,088 alleles (0.0013%); highest among the groups gnomAD compares: East Asian, 0.0045%; no homozygotes.

Submissions (3):

Ambry Genetics
Classification: Uncertain significance. Last evaluated: 2025-10-28. Review status: criteria provided, single submitter. Criteria: Ambry Variant Classification Scheme 2023. Collection method: clinical testing. Allele origin: germline.

Labcorp Genetics (formerly Invitae), Labcorp
Classification: Uncertain significance for Loeys-Dietz syndrome 2. Last evaluated: 2025-04-13. Review status: criteria provided, single submitter. Criteria: Invitae Variant Classification Sherloc (09022015). Collection method: clinical testing. Allele origin: germline.
Comment: This sequence change replaces glutamic acid, which is acidic and polar, with lysine, which is basic and polar, at codon 237 of the TMPO protein (p.Glu237Lys). This variant is present in population databases (rs770791830, gnomAD 0.003%). This variant has not been reported in the literature in individuals affected with TMPO-related conditions. ClinVar contains an entry for this variant (Variation ID: 952353). Invitae Evidence Modeling of protein sequence and biophysical properties (such as structural, functional, and spatial information, amino acid conservation, physicochemical variation, residue mobility, and thermodynamic stability) indicates that this missense variant is not expected to disrupt TMPO protein function with a negative predictive value of 80%. In summary, the available evidence is currently insufficient to determine the role of this variant in disease. Therefore, it has been classified as a Variant of Uncertain Significance.

GeneDx
Classification: Uncertain significance. Last evaluated: 2024-07-23. Review status: criteria provided, single submitter. Criteria: GeneDx Variant Classification Process June 2021. Collection method: clinical testing. Allele origin: germline. Affected: yes.
Comment: Has not been previously published as pathogenic or benign to our knowledge; Not observed at significant frequency in large population cohorts (gnomAD); In silico analysis indicates that this missense variant does not alter protein structure/function